The following is an entry in ClinVar:

ClinVar aggregate classification (germline): Uncertain significance (1 of 4 stars; one submission).

Conditions:
Cardiovascular phenotype. Identifiers: MedGen CN230736.
Hereditary cancer-predisposing syndrome. Also called: Tumor predisposition; Hereditary neoplastic syndrome; Neoplastic Syndromes, Hereditary; Hereditary Cancer Syndrome. Identifiers: Orphanet 140162, MedGen C0027672, MeSH D009386, MONDO:0015356.

Submission:

Ambry Genetics
Classification: Uncertain significance for Cardiovascular phenotype; Hereditary cancer-predisposing syndrome. Last evaluated: 2025-03-28. Review status: criteria provided, single submitter. Criteria: Ambry Variant Classification Scheme 2023. Collection method: clinical testing. Allele origin: germline.
Comment: The p.H982N variant (also known as c.2944C>A), located in coding exon 22 of the NF1 gene, results from a C to A substitution at nucleotide position 2944. The histidine at codon 982 is replaced by asparagine, an amino acid with similar properties. This amino acid position is conserved. In addition, the in silico prediction for this alteration is inconclusive. Based on the available evidence, the clinical significance of this variant remains unclear.

NM_001042492.3(NF1):c.2944C>A (p.His982Asn)

Gene: NF1 (neurofibromin 1; plus strand). Cytogenetic location: 17q11.2.
Variant type: single nucleotide variant.
Coding change: c.2944C>A on transcript NM_001042492.3 (MANE Select); coding-DNA position 2944, C replaced by A.
Protein change: p.His982Asn; replaces histidine 982 with asparagine.
Molecular consequence: missense variant.
Genome position (GRCh38, 1-based): chr17:31,229,928, C>A. VCF-style: chr17-31229928-C-A. GRCh37 (hg19) VCF-style: chr17-29556946-C-A.
Other names: c.2944C>A, p.His982Asn (NM_000267.4); short protein forms H982N.
Identifiers: ClinVar variation 4016759 (VCV004016759.1).